The following is an entry in ClinVar:

ClinVar aggregate classification (germline): Benign. Review status: criteria provided, multiple submitters, no conflicts (2 of 4 stars). 3 submissions from 3 submitters: Benign (3). Last evaluated 2024-07-15.

Allele frequency attached by ClinVar (database versions not stated): gnomAD exomes 0.56300; gnomAD 0.58722 and 0.59260; TOPMed 0.60681; 1000 Genomes Project 0.69449; 1000 Genomes Project 30x 0.69503.
gnomAD v4.1: 859,432 of 1,517,040 alleles (57%); highest among the groups gnomAD compares: East Asian, 91%; 246,965 homozygotes.

Submissions (3):

Unidad de Genómica Garrahan, Hospital de Pediatría Garrahan
Classification: Benign. Last evaluated: 2024-07-15. Review status: criteria provided, single submitter. Criteria: ACMG Guidelines, 2015. Collection method: clinical testing. Allele origin: germline. Affected: no. Observed: 81 variant alleles.
Comment: This variant is classified as Benign based on local population frequency. This variant was detected in 87% of patients studied in a panel designed for Epileptic and Developmental Encephalopathy and Progressive Myoclonus Epilepsy. Number of patients: 81. Only high quality variants are reported.

GeneDx
Classification: Benign. Last evaluated: 2018-06-14. Review status: criteria provided, single submitter. Criteria: GeneDx Variant Classification (06012015). Collection method: clinical testing. Allele origin: germline. Affected: yes.
Comment: This variant is considered likely benign or benign based on one or more of the following criteria: it is a conservative change, it occurs at a poorly conserved position in the protein, it is predicted to be benign by multiple in silico algorithms, and/or has population frequency not consistent with disease.

Breakthrough Genomics
Classification: Benign. Review status: criteria provided, single submitter. Criteria: ACMG Guidelines, 2015. Collection method: not provided. Allele origin: germline. Inheritance: Autosomal dominant inheritance. Affected: yes.

NM_022489.4(INF2):c.2489+62G>C

Gene: INF2 (inverted formin 2; plus strand). Cytogenetic location: 14q32.33.
Variant type: single nucleotide variant.
Coding change: c.2489+62G>C on transcript NM_022489.4 (MANE Select); 62 bases into the intron after coding-DNA position 2489, G replaced by C.
Molecular consequence: intron variant.
Genome position (GRCh38, 1-based): chr14:104,711,761, G>C. VCF-style: chr14-104711761-G-C. GRCh37 (hg19) VCF-style: chr14-105178098-G-C.
Other names: c.2489+62G>C (NM_001031714.4).
Identifiers: ClinVar variation 681940 (VCV000681940.4), dbSNP rs4983532, ClinGen allele CA13972633.